The following is an entry in ClinVar:

NM_133379.5(TTN):c.13725C>T (p.Asp4575=)

Gene: TTN (titin; minus strand). Cytogenetic location: 2q31.2.
Variant type: single nucleotide variant.
Coding change: c.13725C>T on transcript NM_133379.5; coding-DNA position 13725, C replaced by T.
Protein change: p.Asp4575=; no amino-acid change (aspartic acid 4575 retained).
Molecular consequence: synonymous variant. On other transcripts: intron variant (6).
Genome position (GRCh38, 1-based): chr2:178,748,675, G>A on the plus strand (C>T on the coding strand, the complement: TTN is on the minus strand). VCF-style: chr2-178748675-G-A. GRCh37 (hg19) VCF-style: chr2-179613402-G-A.
Other names: c.10222+4449C>T (NM_003319.4); c.10798+4449C>T (NM_133437.4); c.10597+4449C>T (NM_133432.3); c.10360+4449C>T (NM_133378.4, NM_001256850.1); c.11311+4449C>T (NM_001267550.2).
Identifiers: ClinVar variation 500910 (VCV000500910.6), dbSNP rs747401073, ClinGen allele CA2003358.
Genomic context (GRCh38, chr2:178,748,675, plus strand): 5'-ACTATCTAATTCTTGGAATTTCACATCTGTGTGTTTTATTTGAGTGTGAAACTGCTTTAA[G>A]TCAAATGTAATAGGTGATTCATGTTCAGCTCTTTTAGAAATTGCAGGTTTATCTATAAGA-3'

ClinVar aggregate classification (germline): Conflicting classifications of pathogenicity. Review status: criteria provided, conflicting classifications (1 of 4 stars). 2 submissions from 2 submitters: Uncertain significance (1); Likely benign (1). Last evaluated 2026-08-01.

Allele frequency attached by ClinVar (database versions not stated): gnomAD 0.00002 and 0.00003; gnomAD exomes 0.00002 and 0.00009; TOPMed 0.00004; ExAC 0.00017.
gnomAD v4.1: 34 of 1,612,690 alleles (0.0021%); highest among the groups gnomAD compares: Admixed American, 0.048%; 1 homozygote.

Submissions (2):

CeGaT Center for Human Genetics Tuebingen
Classification: Likely benign. Last evaluated: 2026-08-01. Review status: criteria provided, single submitter. Criteria: CeGaT Center For Human Genetics Tuebingen Variant Classification Criteria Version 2. Collection method: clinical testing. Allele origin: germline. Affected: yes. Observed: 1 variant allele.
Comment: TTN: BP4, BP7

Eurofins Ntd Llc (ga)
Classification: Uncertain significance. Last evaluated: 2017-03-23. Review status: criteria provided, single submitter. Criteria: EGL Classification Definitions 2015. Collection method: clinical testing. Allele origin: germline. Observed: 1 variant allele, 1 heterozygote.